The following is an entry in ClinVar:

ClinVar aggregate classification (germline): Conflicting classifications of pathogenicity. Review status: criteria provided, conflicting classifications (1 of 4 stars). 6 submissions from 6 submitters: Uncertain significance (2); Likely benign (4). Last evaluated 2025-09-30.

Conditions:
Bartter disease type 4B. Also called: Bartter syndrome, type 4b, digenic; BARTTER SYNDROME, TYPE 4B; BARTTER SYNDROME, TYPE 4B, NEONATAL, WITH SENSORINEURAL DEAFNESS. Identifiers: Orphanet 112, MedGen C4310805, MONDO:0000909, OMIM 613090.

Allele frequency attached by ClinVar (database versions not stated): gnomAD exomes 0.00198 and 0.00249; 1000 Genomes Project 0.00240; ExAC 0.00256; 1000 Genomes Project 30x 0.00265; gnomAD 0.00350 and 0.00359; TOPMed 0.00357; ESP Exome Variant Server 0.00431.

Submissions (6):

Women's Health and Genetics/Laboratory Corporation of America, LabCorp
Classification: Likely benign. Last evaluated: 2025-09-30. Review status: criteria provided, single submitter. Criteria: LabCorp Variant Classification Summary - May 2015. Collection method: clinical testing. Allele origin: germline.
Comment: Variant summary: CLCNKA c.1612C>T (p.Arg538Cys) results in a non-conservative amino acid change in the encoded protein sequence. Algorithms developed to predict the effect of missense changes on protein structure and function all suggest that this variant is likely to be disruptive. The variant allele was found at a frequency of 0.0025 in 249916 control chromosomes, predominantly at a frequency of 0.0084 within the African or African-American subpopulation in the gnomAD database, including 1 homozygotes. The observed variant frequency within African or African-American control individuals in the gnomAD database is 7.5 folder higher than the estimated maximal expected allele frequency for disease-causing variants in CLCNKA. To our knowledge, no occurrence of c.1612C>T in individuals affected with CLCNKA-related conditions and no experimental evidence demonstrating its impact on protein function have been reported. ClinVar contains an entry for this variant (Variation ID: 717469). Based on the evidence outlined above, the variant was classified as likely benign.

Blueprint Genetics
Classification: Likely benign. Last evaluated: 2024-11-07. Review status: criteria provided, single submitter. Criteria: ACMG Guidelines, 2015. Collection method: clinical testing. Allele origin: germline.

Mayo Clinic Laboratories, Mayo Clinic
Classification: Uncertain significance. Last evaluated: 2024-08-07. Review status: criteria provided, single submitter. Criteria: ACMG Guidelines, 2015. Collection method: clinical testing. Allele origin: germline. Observed: 1 variant allele.
Comment: BS2

Labcorp Genetics (formerly Invitae), Labcorp
Classification: Likely benign. Last evaluated: 2019-12-31. Review status: criteria provided, single submitter. Criteria: Invitae Variant Classification Sherloc (09022015). Collection method: clinical testing. Allele origin: germline.

Revvity Omics, Revvity
Classification: Uncertain significance for Bartter disease type 4B. Last evaluated: 2019-12-05. Review status: criteria provided, single submitter. Criteria: ACMG Guidelines, 2015. Collection method: clinical testing. Allele origin: germline.

Breakthrough Genomics
Classification: Likely benign. Review status: criteria provided, single submitter. Criteria: ACMG Guidelines, 2015. Collection method: not provided. Allele origin: germline. Inheritance: Other. Affected: yes.

NM_004070.4(CLCNKA):c.1612C>T (p.Arg538Cys)

Genes: CLCNKA (chloride voltage-gated channel Ka; plus strand), LOC106501712 (CLCNKA recombination region; plus strand). Cytogenetic location: 1p36.13.
Variant type: single nucleotide variant.
Coding change: c.1612C>T on transcript NM_004070.4 (MANE Select); coding-DNA position 1612, C replaced by T.
Protein change: p.Arg538Cys; replaces arginine 538 with cysteine.
Molecular consequence: missense variant.
Genome position (GRCh38, 1-based): chr1:16,030,664, C>T. VCF-style: chr1-16030664-C-T. GRCh37 (hg19) VCF-style: chr1-16357159-C-T.
Other names: p.Arg538Cys; c.1612C>T, p.Arg538Cys (NM_001042704.2); c.1483C>T, p.Arg495Cys (NM_001257139.2); short protein forms R495C, R538C.
Identifiers: ClinVar variation 717469 (VCV000717469.11), dbSNP rs139564196, ClinGen allele CA622840.